The following is an entry in ClinVar:

ClinVar aggregate classification (germline): Uncertain significance (1 of 4 stars; one submission).

Conditions:
Galactosylceramide beta-galactosidase deficiency. Also called: Leukodystrophy, Globoid Cell; GALACTOCEREBROSIDASE DEFICIENCY; GALC DEFICIENCY; GLOBOID CELL LEUKOENCEPHALOPATHY; Krabbe Disease. Identifiers: Orphanet 487, MedGen C0023521, MONDO:0009499, OMIM 245200.

Allele frequency attached by ClinVar (database versions not stated): TOPMed 0.00001; gnomAD exomes 0.00002.
gnomAD v4.1: 22 of 1,591,150 alleles (0.0014%); highest among the groups gnomAD compares: Admixed American, 0.0033%; no homozygotes.

Submission:

Labcorp Genetics (formerly Invitae), Labcorp
Classification: Uncertain significance for Galactosylceramide beta-galactosidase deficiency. Last evaluated: 2024-10-21. Review status: criteria provided, single submitter. Criteria: Invitae Variant Classification Sherloc (09022015). Collection method: clinical testing. Allele origin: germline.
Comment: This sequence change replaces asparagine, which is neutral and polar, with serine, which is neutral and polar, at codon 556 of the GALC protein (p.Asn556Ser). This variant is present in population databases (no rsID available, gnomAD 0.006%). This variant has not been reported in the literature in individuals affected with GALC-related conditions. ClinVar contains an entry for this variant (Variation ID: 2047166). Invitae Evidence Modeling of protein sequence and biophysical properties (such as structural, functional, and spatial information, amino acid conservation, physicochemical variation, residue mobility, and thermodynamic stability) indicates that this missense variant is not expected to disrupt GALC protein function with a negative predictive value of 95%. In summary, the available evidence is currently insufficient to determine the role of this variant in disease. Therefore, it has been classified as a Variant of Uncertain Significance.

NM_000153.4(GALC):c.1667A>G (p.Asn556Ser)

Gene: GALC (galactosylceramidase; minus strand). Cytogenetic location: 14q31.3.
Variant type: single nucleotide variant.
Coding change: c.1667A>G on transcript NM_000153.4 (MANE Select); coding-DNA position 1667, A replaced by G.
Protein change: p.Asn556Ser; replaces asparagine 556 with serine.
Molecular consequence: missense variant.
Genome position (GRCh38, 1-based): chr14:87,945,556, T>C on the plus strand (A>G on the coding strand, the complement: GALC is on the minus strand). VCF-style: chr14-87945556-T-C. GRCh37 (hg19) VCF-style: chr14-88411900-T-C.
Other names: c.1598A>G, p.Asn533Ser (NM_001201401.2); c.1589A>G, p.Asn530Ser (NM_001201402.2); short protein forms N533S, N556S, N530S.
Identifiers: ClinVar variation 2047166 (VCV002047166.4), dbSNP rs1159218630, ClinGen allele CA390745951.